The following is an entry in ClinVar:

ClinVar aggregate classification (germline): Uncertain significance. Review status: criteria provided, multiple submitters, no conflicts (2 of 4 stars). 2 submissions from 2 submitters: Uncertain significance (2). Last evaluated 2025-08-11.

Conditions:
Hereditary cancer-predisposing syndrome. Also called: Tumor predisposition; Hereditary Cancer Syndrome; Hereditary neoplastic syndrome; Neoplastic Syndromes, Hereditary. Identifiers: Orphanet 140162, MedGen C0027672, MeSH D009386, MONDO:0015356.
Tumor predisposition syndrome 3 (TPDS3). Also called: Glioma susceptibility 9; LONG TELOMERE SYNDROME, POT1-RELATED; POT1 Tumor Predisposition; Melanoma, cutaneous malignant, susceptibility to, 10. Identifiers: Orphanet 618, MedGen C4014476, MONDO:0014368, OMIM 615848.

Submissions (2):

Labcorp Genetics (formerly Invitae), Labcorp
Classification: Uncertain significance for Tumor predisposition syndrome 3. Last evaluated: 2025-08-11. Review status: criteria provided, single submitter. Criteria: Invitae Variant Classification Sherloc (09022015). Collection method: clinical testing. Allele origin: germline.
Comment: This sequence change replaces histidine, which is basic and polar, with arginine, which is basic and polar, at codon 266 of the POT1 protein (p.His266Arg). This variant is not present in population databases (gnomAD no frequency). This variant has not been reported in the literature in individuals affected with POT1-related conditions. ClinVar contains an entry for this variant (Variation ID: 827370). Invitae Evidence Modeling of protein sequence and biophysical properties (such as structural, functional, and spatial information, amino acid conservation, physicochemical variation, residue mobility, and thermodynamic stability) indicates that this missense variant is not expected to disrupt POT1 protein function with a negative predictive value of 80%. In summary, the available evidence is currently insufficient to determine the role of this variant in disease. Therefore, it has been classified as a Variant of Uncertain Significance.

Ambry Genetics
Classification: Uncertain significance for Hereditary cancer-predisposing syndrome. Last evaluated: 2022-02-07. Review status: criteria provided, single submitter. Criteria: Ambry Variant Classification Scheme 2023. Collection method: clinical testing. Allele origin: germline.
Comment: The p.H266R variant (also known as c.797A>G), located in coding exon 6 of the POT1 gene, results from an A to G substitution at nucleotide position 797. The histidine at codon 266 is replaced by arginine, an amino acid with highly similar properties. This alteration has been observed in at least one individual with a personal and/or family history that is consistent with POT1-related disease (Ambry internal data). This amino acid position is highly conserved in available vertebrate species. In addition, this alteration is predicted to be deleterious by in silico analysis. Since supporting evidence is limited at this time, the clinical significance of this alteration remains unclear.

NM_015450.3(POT1):c.797A>G (p.His266Arg)

Gene: POT1 (protection of telomeres 1; minus strand). Cytogenetic location: 7q31.33.
Variant type: single nucleotide variant.
Coding change: c.797A>G on transcript NM_015450.3 (MANE Select); coding-DNA position 797, A replaced by G.
Protein change: p.His266Arg; replaces histidine 266 with arginine.
Molecular consequence: missense variant. On other transcripts: non-coding transcript variant (3).
Genome position (GRCh38, 1-based): chr7:124,853,044, T>C on the plus strand (A>G on the coding strand, the complement: POT1 is on the minus strand). VCF-style: chr7-124853044-T-C. GRCh37 (hg19) VCF-style: chr7-124493098-T-C.
Other names: c.404A>G, p.His135Arg (NM_001042594.2); short protein forms H266R, H135R.
Identifiers: ClinVar variation 827370 (VCV000827370.11), dbSNP rs1584765678, ClinGen allele CA369055418.